The following is an entry in ClinVar:

NM_015346.4(ZFYVE26):c.2554-2A>G

Gene: ZFYVE26 (zinc finger FYVE-type containing 26; minus strand). Cytogenetic location: 14q24.1.
Variant type: single nucleotide variant.
Coding change: c.2554-2A>G on transcript NM_015346.4 (MANE Select); the canonical splice acceptor site of the intron before coding-DNA position 2554, A replaced by G.
Molecular consequence: splice acceptor variant.
Genome position (GRCh38, 1-based): chr14:67,790,775, T>C on the plus strand (A>G on the coding strand, the complement: ZFYVE26 is on the minus strand). VCF-style: chr14-67790775-T-C. GRCh37 (hg19) VCF-style: chr14-68257492-T-C.
Identifiers: ClinVar variation 555535 (VCV000555535.9), dbSNP rs1186788102, ClinGen allele CA390174189.

ClinVar aggregate classification (germline): Likely pathogenic. Review status: criteria provided, single submitter (1 of 4 stars). 2 submissions from 2 submitters: Likely pathogenic (1). 1 of the submissions does not count toward it. Last evaluated 2023-09-06.

Conditions:
Hereditary spastic paraplegia 15 (SPG15). Also called: SPASTIC PARAPLEGIA 15, AUTOSOMAL RECESSIVE; KJELLIN SYNDROME; SPASTIC PARAPLEGIA AND RETINAL DEGENERATION. Identifiers: Orphanet 100996, MedGen C1849128, MONDO:0010044, OMIM 270700.
Spastic paraplegia. Identifiers: MedGen C0037772, HP:0001258.

Allele frequency attached by ClinVar (database versions not stated): gnomAD exomes below 0.00001 and 0.00001.
gnomAD v4.1: 10 of 1,613,872 alleles (0.00062%); highest among the groups gnomAD compares: Non-Finnish European, 0.00085%; no homozygotes.

Submissions (2):

Labcorp Genetics (formerly Invitae), Labcorp
Classification: Likely pathogenic for Spastic paraplegia. Last evaluated: 2023-09-06. Review status: criteria provided, single submitter. Criteria: Invitae Variant Classification Sherloc (09022015). Collection method: clinical testing. Allele origin: germline.
Comment: In summary, the currently available evidence indicates that the variant is pathogenic, but additional data are needed to prove that conclusively. Therefore, this variant has been classified as Likely Pathogenic. Algorithms developed to predict the effect of sequence changes on RNA splicing suggest that this variant may disrupt the consensus splice site. This sequence change affects an acceptor splice site in intron 14 of the ZFYVE26 gene. It is expected to disrupt RNA splicing. Variants that disrupt the donor or acceptor splice site typically lead to a loss of protein function (PMID: 16199547), and loss-of-function variants in ZFYVE26 are known to be pathogenic (PMID: 18394578, 19805727). This variant is present in population databases (no rsID available, gnomAD 0.0009%). Disruption of this splice site has been observed in individual(s) with clinical features of hereditary spastic paraplegia (Invitae). ClinVar contains an entry for this variant (Variation ID: 555535).

Counsyl
Classification: Likely pathogenic for Hereditary spastic paraplegia 15. Last evaluated: 2017-12-12. Review status: no assertion criteria provided. Collection method: clinical testing. Allele origin: unknown. Not counted in ClinVar's aggregate classification.

Literature cited by the submitters: PubMed 16199547 (cited by Labcorp Genetics (formerly Invitae), Labcorp); PubMed 18394578 (cited by Labcorp Genetics (formerly Invitae), Labcorp); PubMed 19805727 (cited by Labcorp Genetics (formerly Invitae), Labcorp).